The following is an entry in ClinVar:

ClinVar aggregate classification (germline): Uncertain significance (1 of 4 stars; one submission).

gnomAD v4.1: 2 of 1,614,030 alleles (0.00012%); highest among the groups gnomAD compares: Admixed American, 0.0017%; no homozygotes.

Submission:

Women's Health and Genetics/Laboratory Corporation of America, LabCorp
Classification: Uncertain significance. Last evaluated: 2024-09-30. Review status: criteria provided, single submitter. Criteria: LabCorp Variant Classification Summary - May 2015. Collection method: clinical testing. Allele origin: germline.
Comment: Variant summary: FUZ c.130G>T (p.Gly44Cys) results in a non-conservative amino acid change located in the FUZ/MON1/HPS1, first Longin domain (IPR043972) of the encoded protein sequence. Five of five in-silico tools predict a damaging effect of the variant on protein function. The variant allele was found at a frequency of 1.2e-06 in 1607056 control chromosomes in the gnomAD database (v4.1 dataset). The available data on variant occurrences in the general population are insufficient to allow any conclusion about variant significance. To our knowledge, no occurrence of c.130G>T in individuals affected with Neural Tube Defect and no experimental evidence demonstrating its impact on protein function have been reported. No submitters have cited clinical-significance assessments for this variant to ClinVar. Based on the evidence outlined above, the variant was classified as uncertain significance.

NM_025129.5(FUZ):c.130G>T (p.Gly44Cys)

Gene: FUZ (fuzzy planar cell polarity protein; minus strand). Cytogenetic location: 19q13.33.
Variant type: single nucleotide variant.
Coding change: c.130G>T on transcript NM_025129.5 (MANE Select); coding-DNA position 130, G replaced by T.
Protein change: p.Gly44Cys; replaces glycine 44 with cysteine.
Molecular consequence: missense variant. On other transcripts: 5 prime UTR variant (1), non-coding transcript variant (1).
Genome position (GRCh38, 1-based): chr19:49,812,718, C>A on the plus strand (G>T on the coding strand, the complement: FUZ is on the minus strand). VCF-style: chr19-49812718-C-A. GRCh37 (hg19) VCF-style: chr19-50315975-C-A.
Other names: c.130G>T, p.Gly44Cys (NM_001171937.2, NM_001352262.2); c.-21G>T (NM_001363663.1); short protein forms G44C.
Identifiers: ClinVar variation 3374924 (VCV003374924.1).